The following is an entry in ClinVar:

NM_016239.4(MYO15A):c.7233del (p.Ile2412fs)

Gene: MYO15A (myosin XVA; plus strand). Cytogenetic location: 17p11.2.
Variant type: Deletion.
Coding change: c.7233del on transcript NM_016239.4 (MANE Select); coding-DNA position 7233, one base deleted (C; older notation c.7233delC).
Protein change: p.Ile2412fs; shifts the reading frame from isoleucine 2412.
Molecular consequence: frameshift variant.
Genome position (GRCh38, 1-based): chr17:18,150,449, C deleted; the last of 2 consecutive C bases (chr17:18,150,448-18,150,449); deleting either gives the same sequence. VCF-style (leftmost placement, unchanged base first): chr17-18150447-GC-G. GRCh37 (hg19) VCF-style: chr17-18053761-GC-G.
Other names: short protein forms I2412fs.
Identifiers: ClinVar variation 5005713 (VCV005005713.2).

ClinVar aggregate classification (germline): Likely pathogenic (1 of 4 stars; one submission).

Conditions:
Autosomal recessive nonsyndromic hearing loss 3. Also called: NEUROSENSORY NONSYNDROMIC RECESSIVE DEAFNESS 3. Identifiers: Orphanet 90636, MedGen C1838263, MONDO:0010860, OMIM 600316.

Submission:

Juno Genomics, Hangzhou Juno Genomics, Inc
Classification: Likely pathogenic for Autosomal recessive nonsyndromic hearing loss 3. Review status: criteria provided, single submitter. Criteria: ACMG Guidelines, 2015. Collection method: clinical testing. Allele origin: germline.
Comment: Null variant in a gene where loss of function (LOF) is a known mechanism of disease.;Absent from controls (or at extremely low frequency if recessive) in Genome Aggregation Database.